The following is an entry in ClinVar:

NM_133259.4(LRPPRC):c.806C>T (p.Thr269Ile)

Gene: LRPPRC (leucine rich pentatricopeptide repeat containing; minus strand). Cytogenetic location: 2p21.
Variant type: single nucleotide variant.
Coding change: c.806C>T on transcript NM_133259.4 (MANE Select); coding-DNA position 806, C replaced by T.
Protein change: p.Thr269Ile; replaces threonine 269 with isoleucine.
Molecular consequence: missense variant.
Genome position (GRCh38, 1-based): chr2:43,975,149, G>A on the plus strand (C>T on the coding strand, the complement: LRPPRC is on the minus strand). VCF-style: chr2-43975149-G-A. GRCh37 (hg19) VCF-style: chr2-44202288-G-A.
Other names: short protein forms T269I.
Identifiers: ClinVar variation 3375619 (VCV003375619.1).
Genomic context (GRCh38, chr2:43,975,149, plus strand): 5'-ACCTGCTTAACATGGTCAATGTCGCCCTTCTCAGCATATGCATTCAATAATGCGAGGTAT[G>A]TGTCTGGACCAGGCTCAATTCCGGCATCTCTCATCACTGTGAGAATGTTTTCTGCATTCT-3'
Protein context (NP_573566.2, residues 259-279): RDAGIEPGPD[Thr269Ile]YLALLNAYAE

ClinVar aggregate classification (germline): Uncertain significance (1 of 4 stars; one submission).

gnomAD v4.1: 6 of 1,613,378 alleles (0.00037%); highest among the groups gnomAD compares: African/African-American, 0.0027%; no homozygotes.

Submission:

GeneDx
Classification: Uncertain significance. Last evaluated: 2024-05-10. Review status: criteria provided, single submitter. Criteria: GeneDx Variant Classification Process June 2021. Collection method: clinical testing. Allele origin: germline. Affected: yes.
Comment: Not observed at significant frequency in large population cohorts (gnomAD); In silico analysis supports that this missense variant has a deleterious effect on protein structure/function; Has not been previously published as pathogenic or benign to our knowledge